The following is an entry in ClinVar:

NM_003060.4(SLC22A5):c.1193C>T (p.Pro398Leu)

Gene: SLC22A5 (solute carrier family 22 member 5; plus strand). Cytogenetic location: 5q31.1.
Variant type: single nucleotide variant.
Coding change: c.1193C>T on transcript NM_003060.4 (MANE Select); coding-DNA position 1193, C replaced by T.
Protein change: p.Pro398Leu; replaces proline 398 with leucine.
Molecular consequence: missense variant.
Genome position (GRCh38, 1-based): chr5:132,390,830, C>T. VCF-style: chr5-132390830-C-T. GRCh37 (hg19) VCF-style: chr5-131726522-C-T.
Other names: c.1265C>T, p.Pro422Leu (NM_001308122.2); short protein forms P422L.
Identifiers: ClinVar variation 25411 (VCV000025411.43), dbSNP rs144547521, ClinGen allele CA342672.

ClinVar aggregate classification (germline): Pathogenic/Likely pathogenic. Review status: criteria provided, multiple submitters, no conflicts (2 of 4 stars). 13 submissions from 13 submitters: Pathogenic (9); Likely pathogenic (3). 1 of the submissions does not count toward it. Last evaluated 2026-09-14.

Conditions:
Inborn errors of metabolism. Also called: Inborn error of metabolism. Identifiers: Orphanet 68367, MedGen C0025521, MONDO:0019052.
Carnitine deficiency. Identifiers: MedGen C1142132.
SLC22A5-related disorder. Also called: SLC22A5-related condition.
Renal carnitine transport defect (CDSP). Also called: CARNITINE DEFICIENCY, SYSTEMIC, DUE TO DEFECT IN RENAL REABSORPTION OF CARNITINE; CARNITINE TRANSPORTER, PLASMA-MEMBRANE, DEFICIENCY OF; CARNITINE UPTAKE DEFECT; Primary carnitine deficiency; Carnitine transporter deficiency; Systemic primary carnitine deficiency disease. Identifiers: Orphanet 158, MedGen C0342788, MONDO:0008919, OMIM 212140.

Allele frequency attached by ClinVar (database versions not stated): gnomAD exomes 0.00008 and 0.00014; ExAC 0.00010; gnomAD 0.00006; TOPMed 0.00008; ESP Exome Variant Server 0.00015.
gnomAD v4.1: 220 of 1,614,044 alleles (0.014%); highest among the groups gnomAD compares: Non-Finnish European, 0.017%; no homozygotes.

Submissions (13):

North West Genomic Laboratory Hub, Manchester University NHS Foundation Trust
Classification: Likely pathogenic for Inborn error of metabolism. Last evaluated: 2026-09-14. Review status: criteria provided, single submitter. Criteria: ACGS Best Practice Guidelines for Variant Classification in Rare Disease 2024. Collection method: clinical testing. Allele origin: germline. Affected: yes.
Comment: PP4_Supp PM2_Mod PS3_Supp PM3_Mod

PreventionGenetics, part of Exact Sciences
Classification: Pathogenic for SLC22A5-related condition. Last evaluated: 2026-03-18. Review status: criteria provided, single submitter. Criteria: ACMG Guidelines, 2015. Collection method: clinical testing. Allele origin: germline.
Comment: The SLC22A5 c.1193C>T variant is predicted to result in the amino acid substitution p.Pro398Leu. This variant has been reported with a second SLC22A5 variant in several individuals with systemic primary carnitine deficiency (Amat di San Filippo et al. 2006. PubMed ID: 16652335; Frigeni et al. 2017. PubMed ID: 28841266; Li et al. 2010. PubMed ID: 20574985). In vitro experimental studies suggest this variant impacts protein function (Amat di San Filippo et al. 2006. PubMed ID: 16652335; Frigeni et al. 2017. PubMed ID: 28841266). This variant is reported in 0.020% of alleles in individuals of African descent in gnomAD. This variant is interpreted as pathogenic.

Labcorp Genetics (formerly Invitae), Labcorp
Classification: Pathogenic for Renal carnitine transport defect. Last evaluated: 2026-01-13. Review status: criteria provided, single submitter. Criteria: Invitae Variant Classification Sherloc (09022015). Collection method: clinical testing. Allele origin: germline.
Comment: This sequence change replaces proline, which is neutral and non-polar, with leucine, which is neutral and non-polar, at codon 398 of the SLC22A5 protein (p.Pro398Leu). This variant is present in population databases (rs144547521, gnomAD 0.02%). This missense change has been observed in individual(s) with primary carnitine deficiency (PMID: 16652335, 20574985; internal data). In at least one individual the data is consistent with being in trans (on the opposite chromosome) from a pathogenic variant. ClinVar contains an entry for this variant (Variation ID: 25411). Invitae Evidence Modeling of protein sequence and biophysical properties (such as structural, functional, and spatial information, amino acid conservation, physicochemical variation, residue mobility, and thermodynamic stability) indicates that this missense variant is expected to disrupt SLC22A5 protein function with a positive predictive value of 95%. Experimental studies have shown that this missense change affects SLC22A5 function (PMID: 16652335). For these reasons, this variant has been classified as Pathogenic.

Natera, Inc.
Classification: Pathogenic for Carnitine deficiency. Last evaluated: 2025-05-30. Review status: criteria provided, single submitter. Criteria: Natera Variant Classification Schema (03/2026). Collection method: clinical testing. Allele origin: germline.
Comment: The c.1193C>T variant in SLC22A5 is a missense variant predicted to cause substitution of proline to leucine at amino acid 398. This variant is rare in the general population with a frequency below the threshold expected for the associated phenotype(s). This variant has been observed in one or more individuals affected with the associated recessive disease, as either homozygous or compound heterozygous with a second variant (PMID: 20574985, 28841266, 23798014). Computational prediction algorithms indicate this variant is likely to affect gene or protein function. Given the available evidence, this variant is classified as Pathogenic.

GeneDx
Classification: Pathogenic. Last evaluated: 2024-09-13. Review status: criteria provided, single submitter. Criteria: GeneDx Variant Classification Process June 2021. Collection method: clinical testing. Allele origin: germline. Affected: yes.
Comment: In silico analysis supports that this missense variant has a deleterious effect on protein structure/function; This variant is associated with the following publications: (PMID: 23430858, 16652335, 25087612, 20574985, 23757202, 16602102, 28841266, 23379544, 35568002)

Fulgent Genetics
Classification: Likely pathogenic for Renal carnitine transport defect. Last evaluated: 2024-06-14. Review status: criteria provided, single submitter. Criteria: ACMG Guidelines, 2015. Collection method: clinical testing. Allele origin: germline.

Mayo Clinic Laboratories, Mayo Clinic
Classification: Pathogenic. Last evaluated: 2023-05-25. Review status: criteria provided, single submitter. Criteria: ACMG Guidelines, 2015. Collection method: clinical testing. Allele origin: germline. Observed: 1 variant allele.
Comment: PP4, PM2, PM3_strong, PS3, PS4_moderate

ARUP Laboratories, Molecular Genetics and Genomics, ARUP Laboratories
Classification: Pathogenic for Renal carnitine transport defect. Last evaluated: 2021-10-20. Review status: criteria provided, single submitter. Criteria: ARUP Molecular Germline Variant Investigation Process 2021. Collection method: clinical testing. Allele origin: germline.
Comment: The SLC22A5 c.1193C>T; p.Pro398Leu variant (rs144547521) is reported in the literature in multiple individuals affected with primary carnitine deficiency (PCD), several of whom also carried an additional pathogenic variant (Amat di San Filippo 2006, Li 2010). The p.Pro398Leu variant is reported at pathogenic or likely pathogenic by multiple laboratories in ClinVar (Variation ID: 25411) and is observed in the general population at a low overall frequency of 0.01% (21/282862 alleles) in the Genome Aggregation Database. The proline at codon 398 is moderately conserved, but computational analyses are uncertain whether this variant is neutral or deleterious (REVEL: 0.515). Still, both in vitro and in vivo functional analyses of this variant demonstrate reduced cDNA expression and significantly decreased carnitine transport activity (Amat di San Filippo 2006, Frigeni 2017). Additionally, several other missense variants in the adjacent codon (p.Arg399Gln, p.Arg399Trp) are reported in individuals affected with PCD and exhibit reduced transport activity (Frigeni 2017), suggesting functional importance of this region of the protein. Based on available information, the p.Pro398Leu variant is considered to be pathogenic. References: Amat di San Filippo C et al. Pharmacological rescue of carnitine transport in primary carnitine deficiency. Hum Mutat. 2006 Jun;27(6):513-23. Frigeni M et al. Functional and molecular studies in primary carnitine deficiency. Hum Mutat. 2017 Dec;38(12):1684-1699. Li F et al. Molecular spectrum of SLC22A5 (OCTN2) gene mutations detected in 143 subjects evaluated for systemic carnitine deficiency. Hum Mutat. 2010 Aug;31(8):E1632-51.

Genome-Nilou Lab
Classification: Likely pathogenic for Renal carnitine transport defect. Last evaluated: 2021-07-15. Review status: criteria provided, single submitter. Criteria: ACMG Guidelines, 2015. Collection method: clinical testing. Allele origin: germline. Affected: no.

Revvity Omics, Revvity
Classification: Pathogenic for Renal carnitine transport defect. Last evaluated: 2020-10-27. Review status: criteria provided, single submitter. Criteria: ACMG Guidelines, 2015. Collection method: clinical testing. Allele origin: germline.

Eurofins Ntd Llc (ga)
Classification: Pathogenic. Last evaluated: 2015-12-30. Review status: criteria provided, single submitter. Criteria: EGL Classification Definitions 2015. Collection method: clinical testing. Allele origin: germline. Observed: 7 variant alleles, 7 heterozygotes.

Center for Pediatric Genomic Medicine, Children's Mercy Hospital and Clinics
Classification: Pathogenic. Last evaluated: 2015-06-19. Review status: criteria provided, single submitter. Criteria: ACMG Guidelines, 2015. Collection method: clinical testing. Allele origin: germline.

Counsyl
Classification: Likely pathogenic for Renal carnitine transport defect. Last evaluated: 2014-08-27. Review status: no assertion criteria provided. Collection method: literature only. Allele origin: unknown. Inheritance: Autosomal recessive inheritance. Not counted in ClinVar's aggregate classification.

Literature cited by the submitters: PubMed 16652335 (cited by 4 submitters); PubMed 20574985 (cited by 4 submitters); PubMed 28841266 (cited by Natera, Inc. and Mayo Clinic Laboratories, Mayo Clinic); PubMed 23798014 (cited by Natera, Inc.); PubMed 25087612 (cited by Mayo Clinic Laboratories, Mayo Clinic).